The following is an entry in ClinVar:

NM_002181.4(IHH):c.399G>A (p.Trp133Ter)

Gene: IHH (Indian hedgehog signaling molecule; minus strand). Cytogenetic location: 2q35.
Variant type: single nucleotide variant.
Coding change: c.399G>A on transcript NM_002181.4 (MANE Select); coding-DNA position 399, G replaced by A.
Protein change: p.Trp133Ter; replaces tryptophan 133 with a stop codon.
Molecular consequence: nonsense.
Genome position (GRCh38, 1-based): chr2:219,057,611, C>T on the plus strand (G>A on the coding strand, the complement: IHH is on the minus strand). VCF-style: chr2-219057611-C-T. GRCh37 (hg19) VCF-style: chr2-219922333-C-T.
Other names: short protein forms W133*.
Identifiers: ClinVar variation 2821742 (VCV002821742.3), dbSNP rs2469514390, ClinGen allele CA350635561.

ClinVar aggregate classification (germline): Pathogenic (1 of 4 stars; one submission).

Submission:

Labcorp Genetics (formerly Invitae), Labcorp
Classification: Pathogenic. Last evaluated: 2024-12-25. Review status: criteria provided, single submitter. Criteria: Invitae Variant Classification Sherloc (09022015). Collection method: clinical testing. Allele origin: germline.
Comment: This sequence change creates a premature translational stop signal (p.Trp133*) in the IHH gene. It is expected to result in an absent or disrupted protein product. Loss-of-function variants in IHH are known to be pathogenic (PMID: 11455389, 19277064). This variant is not present in population databases (gnomAD no frequency). This variant has not been reported in the literature in individuals affected with IHH-related conditions. ClinVar contains an entry for this variant (Variation ID: 2821742). For these reasons, this variant has been classified as Pathogenic.

Literature cited by the submitters: PubMed 11455389; PubMed 19277064.